The following is an entry in ClinVar:

ClinVar aggregate classification (germline): Uncertain significance (1 of 4 stars; one submission).

Submission:

Labcorp Genetics (formerly Invitae), Labcorp
Classification: Uncertain significance. Last evaluated: 2024-04-09. Review status: criteria provided, single submitter. Criteria: Invitae Variant Classification Sherloc (09022015). Collection method: clinical testing. Allele origin: germline.
Comment: This sequence change falls in intron 53 of the FRAS1 gene. It does not directly change the encoded amino acid sequence of the FRAS1 protein. It affects a nucleotide within the consensus splice site. This variant is not present in population databases (gnomAD no frequency). This variant has not been reported in the literature in individuals affected with FRAS1-related conditions. Variants that disrupt the consensus splice site are a relatively common cause of aberrant splicing (PMID: 17576681, 9536098). Algorithms developed to predict the effect of sequence changes on RNA splicing suggest that this variant is not likely to affect RNA splicing. In summary, the available evidence is currently insufficient to determine the role of this variant in disease. Therefore, it has been classified as a Variant of Uncertain Significance.

Literature cited by the submitters: PubMed 17576681; PubMed 9536098.

NM_025074.7(FRAS1):c.7682+4C>G

Gene: FRAS1 (Fraser extracellular matrix complex subunit 1; plus strand). Cytogenetic location: 4q21.21.
Variant type: single nucleotide variant.
Coding change: c.7682+4C>G on transcript NM_025074.7 (MANE Select); 4 bases into the intron after coding-DNA position 7682, C replaced by G.
Molecular consequence: intron variant.
Genome position (GRCh38, 1-based): chr4:78,473,601, C>G. VCF-style: chr4-78473601-C-G. GRCh37 (hg19) VCF-style: chr4-79394755-C-G.
Identifiers: ClinVar variation 3630638 (VCV003630638.2).